The following is an entry in ClinVar:

ClinVar aggregate classification (germline): Uncertain significance. Review status: criteria provided, multiple submitters, no conflicts (2 of 4 stars). 2 submissions from 2 submitters: Uncertain significance (2). Last evaluated 2024-10-15.

Conditions:
Autosomal recessive distal spinal muscular atrophy 1. Also called: NEURONOPATHY, DISTAL HEREDITARY MOTOR, HARDING TYPE VI; NEUROPATHY, DISTAL HEREDITARY MOTOR, AUTOSOMAL RECESSIVE 1; HMN VI; NEURONOPATHY, SEVERE INFANTILE AXONAL, WITH RESPIRATORY FAILURE; SEVERE INFANTILE AXONAL NEUROPATHY WITH RESPIRATORY FAILURE; SPINAL MUSCULAR ATROPHY, DIAPHRAGMATIC. Identifiers: Orphanet 98920, MedGen C1858517, MONDO:0011436, OMIM 604320.
Charcot-Marie-Tooth disease axonal type 2S. Also called: CHARCOT-MARIE-TOOTH NEUROPATHY, TYPE 2S; CHARCOT-MARIE-TOOTH DISEASE, AXONAL, AUTOSOMAL RECESSIVE, TYPE 2S. Identifiers: Orphanet 443073, MedGen C4015349, MONDO:0014511, OMIM 616155.

Allele frequency attached by ClinVar (database versions not stated): TOPMed 0.00001.

Submissions (2):

Mayo Clinic Laboratories, Mayo Clinic
Classification: Uncertain significance. Last evaluated: 2024-10-15. Review status: criteria provided, single submitter. Criteria: ACMG Guidelines, 2015. Collection method: clinical testing. Allele origin: germline. Observed: 1 variant allele.
Comment: PM2_supporting

Labcorp Genetics (formerly Invitae), Labcorp
Classification: Uncertain significance for Autosomal recessive distal spinal muscular atrophy 1; Charcot-Marie-Tooth disease axonal type 2S. Last evaluated: 2018-07-21. Review status: criteria provided, single submitter. Criteria: Invitae Variant Classification Sherloc (09022015). Collection method: clinical testing. Allele origin: germline.
Comment: This sequence change replaces valine with glycine at codon 434 of the IGHMBP2 protein (p.Val434Gly). The valine residue is moderately conserved and there is a moderate physicochemical difference between valine and glycine. This variant is not present in population databases (ExAC no frequency). This finding is consistent with autosomal recessive inheritance, and suggests that this variant contributes to disease. Algorithms developed to predict the effect of missense changes on protein structure and function are either unavailable or do not agree on the potential impact of this missense change (SIFT: "Deleterious"; PolyPhen-2: "Possibly Damaging"; Align-GVGD: "Class C0"). In summary, the available evidence is currently insufficient to determine the role of this variant in disease. Therefore, it has been classified as a Variant of Uncertain Significance.

NM_002180.3(IGHMBP2):c.1301T>G (p.Val434Gly)

Gene: IGHMBP2 (immunoglobulin mu DNA binding protein 2; plus strand). Cytogenetic location: 11q13.3.
Variant type: single nucleotide variant.
Coding change: c.1301T>G on transcript NM_002180.3 (MANE Select); coding-DNA position 1301, T replaced by G.
Protein change: p.Val434Gly; replaces valine 434 with glycine.
Molecular consequence: missense variant.
Genome position (GRCh38, 1-based): chr11:68,933,364, T>G. VCF-style: chr11-68933364-T-G. GRCh37 (hg19) VCF-style: chr11-68700832-T-G.
Other names: p.Val434Gly; short protein forms V434G.
Identifiers: ClinVar variation 658255 (VCV000658255.10), dbSNP rs1464006744, ClinGen allele CA381648909.